The following is an entry in ClinVar:

ClinVar aggregate classification (germline): Uncertain significance (1 of 4 stars; one submission).

Conditions:
Myopathy, proximal, and ophthalmoplegia (CMYO6). Also called: MYOPATHY WITH CONGENITAL JOINT CONTRACTURES, OPHTHALMOPLEGIA, AND RIMMED VACUOLES; INCLUSION BODY MYOPATHY 3, AUTOSOMAL DOMINANT; CONGENITAL MYOPATHY 6 WITH OPHTHALMOPLEGIA. Identifiers: Orphanet 363677, Orphanet 79091, MedGen C1854106, MONDO:0011577, OMIM 605637.

Submission:

Labcorp Genetics (formerly Invitae), Labcorp
Classification: Uncertain significance for Myopathy, proximal, and ophthalmoplegia. Last evaluated: 2023-06-12. Review status: criteria provided, single submitter. Criteria: Invitae Variant Classification Sherloc (09022015). Collection method: clinical testing. Allele origin: germline.
Comment: This sequence change replaces arginine, which is basic and polar, with leucine, which is neutral and non-polar, at codon 246 of the MYH2 protein (p.Arg246Leu). This variant is not present in population databases (gnomAD no frequency). This variant has not been reported in the literature in individuals affected with MYH2-related conditions. Advanced modeling of protein sequence and biophysical properties (such as structural, functional, and spatial information, amino acid conservation, physicochemical variation, residue mobility, and thermodynamic stability) performed at Invitae indicates that this missense variant is expected to disrupt MYH2 protein function. In summary, the available evidence is currently insufficient to determine the role of this variant in disease. Therefore, it has been classified as a Variant of Uncertain Significance.

NM_017534.6(MYH2):c.737G>T (p.Arg246Leu)

Genes: MYHAS (myosin heavy chain gene cluster antisense RNA; plus strand), MYH2 (myosin heavy chain 2; minus strand), LOC126862501 (CDK7 strongly-dependent group 2 enhancer GRCh37_chr17:10446256-10447455; plus strand). Cytogenetic location: 17p13.1.
Variant type: single nucleotide variant.
Coding change: c.737G>T on transcript NM_017534.6 (MANE Select); coding-DNA position 737, G replaced by T.
Protein change: p.Arg246Leu; replaces arginine 246 with leucine.
Molecular consequence: missense variant.
Genome position (GRCh38, 1-based): chr17:10,543,715, C>A on the plus strand (G>T on the coding strand, the complement: MYH2 is on the minus strand). VCF-style: chr17-10543715-C-A. GRCh37 (hg19) VCF-style: chr17-10447032-C-A.
Other names: c.737G>T, p.Arg246Leu (NM_001100112.2); short protein forms R246L.
Identifiers: ClinVar variation 2990688 (VCV002990688.3), dbSNP rs773713563, ClinGen allele CA398168436.